The following is an entry in ClinVar:

ClinVar aggregate classification (germline): Likely benign. Review status: criteria provided, single submitter (1 of 4 stars). 2 submissions from 2 submitters: Likely benign (1). 1 of the submissions does not count toward it. Last evaluated 2025-08-29.

Conditions:
CACNA1H-related disorder.
Idiopathic generalized epilepsy. Also called: Generalised epilepsy; EIG. Identifiers: MedGen C0270850, MONDO:0005579, OMIM 600669.
Hyperaldosteronism, familial, type IV (HALD4). Also called: FH IV; ALDOSTERONISM, PRIMARY, AND HYPERTENSION. Identifiers: Orphanet 642671, MedGen C4310756, MONDO:0014875, OMIM 617027.

Allele frequency attached by ClinVar (database versions not stated): gnomAD exomes 0.00002 and 0.00003; gnomAD 0.00002 and 0.00003; 1000 Genomes Project 30x 0.00031; TOPMed 0.00003.
gnomAD v4.1: 29 of 1,550,098 alleles (0.0019%); highest among the groups gnomAD compares: Admixed American, 0.0098%; no homozygotes.

Submissions (2):

Labcorp Genetics (formerly Invitae), Labcorp
Classification: Likely benign for Idiopathic generalized epilepsy; Hyperaldosteronism, familial, type IV. Last evaluated: 2025-08-29. Review status: criteria provided, single submitter. Criteria: Invitae Variant Classification Sherloc (09022015). Collection method: clinical testing. Allele origin: germline.

PreventionGenetics, part of Exact Sciences
Classification: Likely benign for CACNA1H-related condition. Last evaluated: 2020-03-10. Review status: no assertion criteria provided. Collection method: clinical testing. Allele origin: germline. Not counted in ClinVar's aggregate classification.
Comment: This variant is classified as likely benign based on ACMG/AMP sequence variant interpretation guidelines (Richards et al. 2015 PMID: 25741868, with internal and published modifications).

NM_021098.3(CACNA1H):c.5892C>T (p.Ser1964=)

Gene: CACNA1H (calcium voltage-gated channel subunit alpha1 H; plus strand). Cytogenetic location: 16p13.3.
Variant type: single nucleotide variant.
Coding change: c.5892C>T on transcript NM_021098.3 (MANE Select); coding-DNA position 5892, C replaced by T.
Protein change: p.Ser1964=; no amino-acid change (serine 1964 retained).
Molecular consequence: synonymous variant.
Genome position (GRCh38, 1-based): chr16:1,218,974, C>T. VCF-style: chr16-1218974-C-T. GRCh37 (hg19) VCF-style: chr16-1268974-C-T.
Other names: c.5874C>T, p.Ser1958= (NM_001005407.2).
Identifiers: ClinVar variation 774380 (VCV000774380.13), dbSNP rs1303447893, ClinGen allele CA492887869.
Genomic context (GRCh38, chr16:1,218,974, plus strand): 5'-CAGCTGGGCAGGAAGGCAGGGGCAGAGCTGCCAGCTTAGATTCTTCCCTGCCCCAGGCTC[C>T]GTTGCCTCTGTGCACTCTCCGCCCGCAGAGTCCTGTGCCTCCCTCCAGATCCCATTGGCT-3'
Protein context (NP_066921.2, residues 1954-1974): ETYGAGTPLG[Ser1964=]VASVHSPPAE